The following is an entry in ClinVar:

NM_000260.4(MYO7A):c.6608C>G (p.Thr2203Arg)

Gene: MYO7A (myosin VIIA; plus strand). Cytogenetic location: 11q13.5.
Variant type: single nucleotide variant.
Coding change: c.6608C>G on transcript NM_000260.4 (MANE Select); coding-DNA position 6608, C replaced by G.
Protein change: p.Thr2203Arg; replaces threonine 2203 with arginine.
Molecular consequence: missense variant.
Genome position (GRCh38, 1-based): chr11:77,214,656, C>G. VCF-style: chr11-77214656-C-G. GRCh37 (hg19) VCF-style: chr11-76925701-C-G.
Other names: c.6488C>G, p.Thr2163Arg (NM_001127180.2); c.6461C>G, p.Thr2154Arg (NM_001369365.1); short protein forms T2154R, T2163R, T2203R.
Identifiers: ClinVar variation 3903337 (VCV003903337.1).

ClinVar aggregate classification (germline): Uncertain significance (1 of 4 stars; one submission).

Submission:

GeneDx
Classification: Uncertain significance. Last evaluated: 2024-12-10. Review status: criteria provided, single submitter. Criteria: GeneDx Variant Classification Process June 2021. Collection method: clinical testing. Allele origin: germline. Affected: yes.
Comment: Not observed at significant frequency in large population cohorts (gnomAD); In silico analysis supports that this missense variant has a deleterious effect on protein structure/function; Has not been previously published as pathogenic or benign to our knowledge